The following is an entry in ClinVar:

ClinVar aggregate classification (germline): Uncertain significance (1 of 4 stars; one submission).

Conditions:
Distal hereditary motor neuropathy type 2. Identifiers: Orphanet 139525, MedGen C3711384, MeSH C580044, MONDO:0015352.

Submission:

Labcorp Genetics (formerly Invitae), Labcorp
Classification: Uncertain significance for Distal hereditary motor neuropathy type 2. Last evaluated: 2022-12-13. Review status: criteria provided, single submitter. Criteria: Invitae Variant Classification Sherloc (09022015). Collection method: clinical testing. Allele origin: germline.
Comment: In summary, the available evidence is currently insufficient to determine the role of this variant in disease. Therefore, it has been classified as a Variant of Uncertain Significance. Advanced modeling of protein sequence and biophysical properties (such as structural, functional, and spatial information, amino acid conservation, physicochemical variation, residue mobility, and thermodynamic stability) performed at Invitae indicates that this missense variant is not expected to disrupt FBXO38 protein function. This variant has not been reported in the literature in individuals affected with FBXO38-related conditions. This variant is not present in population databases (gnomAD no frequency). This sequence change replaces leucine, which is neutral and non-polar, with phenylalanine, which is neutral and non-polar, at codon 451 of the FBXO38 protein (p.Leu451Phe).

NM_205836.3(FBXO38):c.1353A>C (p.Leu451Phe)

Gene: FBXO38 (F-box protein 38; plus strand). Cytogenetic location: 5q32.
Variant type: single nucleotide variant.
Coding change: c.1353A>C on transcript NM_205836.3 (MANE Select); coding-DNA position 1353, A replaced by C.
Protein change: p.Leu451Phe; replaces leucine 451 with phenylalanine.
Molecular consequence: missense variant.
Genome position (GRCh38, 1-based): chr5:148,416,016, A>C. VCF-style: chr5-148416016-A-C. GRCh37 (hg19) VCF-style: chr5-147795579-A-C.
Other names: c.1353A>C, p.Leu451Phe (NM_001271723.2, NM_030793.5); short protein forms L451F.
Identifiers: ClinVar variation 2820620 (VCV002820620.3), dbSNP rs2531762612, ClinGen allele CA361659239.
Genomic context (GRCh38, chr5:148,416,016, plus strand): 5'-TATCAACCTAGTACGGTGCCATGCTTTGAAGCTGGACTCTTTTGGCCAGTTTATTGAATT[A>C]TTACCCAGCCTAGAGTTTATTTCACTGGATCAGATGTTTCGTGAACCACCCAAGGTAAGA-3'
Protein context (NP_995308.1, residues 441-461): KLDSFGQFIE[Leu451Phe]LPSLEFISLD